The following is an entry in ClinVar:

NM_001378328.1(CELSR1):c.2274C>T (p.Tyr758=)

Gene: CELSR1 (cadherin EGF LAG seven-pass G-type receptor 1; minus strand). Cytogenetic location: 22q13.31.
Variant type: single nucleotide variant.
Coding change: c.2274C>T on transcript NM_001378328.1 (MANE Select); coding-DNA position 2274, C replaced by T.
Protein change: p.Tyr758=; no amino-acid change (tyrosine 758 retained).
Molecular consequence: synonymous variant.
Genome position (GRCh38, 1-based): chr22:46,534,897, G>A on the plus strand (C>T on the coding strand, the complement: CELSR1 is on the minus strand). VCF-style: chr22-46534897-G-A. GRCh37 (hg19) VCF-style: chr22-46930794-G-A.
Other names: c.2274C>T, p.Tyr758= (NM_014246.4).
Identifiers: ClinVar variation 775121 (VCV000775121.28), dbSNP rs28613988, ClinGen allele CA10295288.

ClinVar aggregate classification (germline): Benign. Review status: criteria provided, multiple submitters, no conflicts (2 of 4 stars). 3 submissions from 3 submitters: Benign (3). Last evaluated 2024-07-01.

Allele frequency attached by ClinVar (database versions not stated): 1000 Genomes Project 30x 0.00422; 1000 Genomes Project 0.00439; ESP Exome Variant Server 0.00677; TOPMed 0.00690; gnomAD 0.00755 and 0.00760; gnomAD exomes 0.00792 and 0.01050; ExAC 0.00831.
gnomAD v4.1: 16,416 of 1,612,508 alleles (1%); highest among the groups gnomAD compares: Non-Finnish European, 1.2%; 113 homozygotes.

Submissions (3):

CeGaT Center for Human Genetics Tuebingen
Classification: Benign. Last evaluated: 2024-07-01. Review status: criteria provided, single submitter. Criteria: CeGaT Center For Human Genetics Tuebingen Variant Classification Criteria Version 2. Collection method: clinical testing. Allele origin: germline. Affected: yes. Observed: 3 variant alleles.
Comment: CELSR1: BP4, BP7, BS1, BS2

Labcorp Genetics (formerly Invitae), Labcorp
Classification: Benign. Last evaluated: 2017-12-08. Review status: criteria provided, single submitter. Criteria: Invitae Variant Classification Sherloc (09022015). Collection method: clinical testing. Allele origin: germline.

Breakthrough Genomics
Classification: Benign. Review status: criteria provided, single submitter. Criteria: ACMG Guidelines, 2015. Collection method: not provided. Allele origin: germline. Inheritance: Autosomal dominant inheritance. Affected: yes.